The following is an entry in ClinVar:

ClinVar aggregate classification (germline): Uncertain significance. Review status: criteria provided, multiple submitters, no conflicts (2 of 4 stars). 2 submissions from 2 submitters: Uncertain significance (2). Last evaluated 2025-06-18.

Conditions:
Primary ciliary dyskinesia. Also called: Ciliary dyskinesia. Identifiers: Orphanet 244, MedGen C0008780, MONDO:0016575, HP:0012265.

Allele frequency attached by ClinVar (database versions not stated): gnomAD exomes 0.00001; gnomAD 0.00003 and 0.00004; TOPMed 0.00003; ExAC 0.00007.

Submissions (2):

Ambry Genetics
Classification: Uncertain significance for Primary ciliary dyskinesia. Last evaluated: 2025-06-18. Review status: criteria provided, single submitter. Criteria: Ambry Variant Classification Scheme 2023. Collection method: clinical testing. Allele origin: germline.

Labcorp Genetics (formerly Invitae), Labcorp
Classification: Uncertain significance for Primary ciliary dyskinesia. Last evaluated: 2024-09-20. Review status: criteria provided, single submitter. Criteria: Invitae Variant Classification Sherloc (09022015). Collection method: clinical testing. Allele origin: germline.
Comment: This sequence change replaces alanine, which is neutral and non-polar, with glycine, which is neutral and non-polar, at codon 8 of the CCDC40 protein (p.Ala8Gly). The frequency data for this variant in the population databases is considered unreliable, as metrics indicate poor data quality at this position in the gnomAD database. This variant has not been reported in the literature in individuals affected with CCDC40-related conditions. ClinVar contains an entry for this variant (Variation ID: 1000019). An algorithm developed to predict the effect of missense changes on protein structure and function (PolyPhen-2) suggests that this variant is likely to be tolerated. In summary, the available evidence is currently insufficient to determine the role of this variant in disease. Therefore, it has been classified as a Variant of Uncertain Significance.

NM_017950.4(CCDC40):c.23C>G (p.Ala8Gly)

Gene: CCDC40 (coiled-coil domain 40 molecular ruler complex subunit; plus strand). Cytogenetic location: 17q25.3.
Variant type: single nucleotide variant.
Coding change: c.23C>G on transcript NM_017950.4 (MANE Select); coding-DNA position 23, C replaced by G.
Protein change: p.Ala8Gly; replaces alanine 8 with glycine.
Molecular consequence: missense variant.
Genome position (GRCh38, 1-based): chr17:80,036,685, C>G. VCF-style: chr17-80036685-C-G. GRCh37 (hg19) VCF-style: chr17-78010484-C-G.
Other names: c.23C>G (NM_017950.3); c.23C>G, p.Ala8Gly (NM_001243342.2, NM_001330508.2); short protein forms A8G.
Identifiers: ClinVar variation 1000019 (VCV001000019.9), dbSNP rs751298635, ClinGen allele CA8813334.